The following is an entry in ClinVar:

ClinVar aggregate classification (germline): Uncertain significance (1 of 4 stars; one submission).

Conditions:
Joubert syndrome 18 (JBTS18). Identifiers: Orphanet 2754, MedGen C3553758, MONDO:0013896, OMIM 614815.
Orofacial-digital syndrome IV (OFD4). Also called: BARAITSER-BURN SYNDROME; MOHR-MAJEWSKI SYNDROME; OFD SYNDROME WITH TIBIAL DEFECTS; OFD SYNDROME, BARAITSER-BURN TYPE; OFDS IV; ORAL-FACIAL-DIGITAL SYNDROME, TYPE IV. Identifiers: Orphanet 2753, MedGen C0406727, MONDO:0009794, OMIM 258860.

Allele frequency attached by ClinVar (database versions not stated): gnomAD exomes below 0.00001; gnomAD 0.00001; TOPMed 0.00001.
gnomAD v4.1: 3 of 1,613,600 alleles (0.00019%); highest among the groups gnomAD compares: Admixed American, 0.0033%; no homozygotes.

Submission:

Labcorp Genetics (formerly Invitae), Labcorp
Classification: Uncertain significance for Joubert syndrome 18; Orofacial-digital syndrome IV. Last evaluated: 2022-07-19. Review status: criteria provided, single submitter. Criteria: Invitae Variant Classification Sherloc (09022015). Collection method: clinical testing. Allele origin: germline.
Comment: In summary, the available evidence is currently insufficient to determine the role of this variant in disease. Therefore, it has been classified as a Variant of Uncertain Significance. Algorithms developed to predict the effect of missense changes on protein structure and function are either unavailable or do not agree on the potential impact of this missense change (SIFT: "Deleterious"; PolyPhen-2: "Possibly Damaging"; Align-GVGD: "Class C0"). ClinVar contains an entry for this variant (Variation ID: 1372201). This variant has not been reported in the literature in individuals affected with TCTN3-related conditions. The frequency data for this variant in the population databases is considered unreliable, as metrics indicate poor data quality at this position in the gnomAD database. This sequence change replaces cysteine, which is neutral and slightly polar, with serine, which is neutral and polar, at codon 488 of the TCTN3 protein (p.Cys488Ser).

NM_015631.6(TCTN3):c.1463G>C (p.Cys488Ser)

Gene: TCTN3 (tectonic family member 3; minus strand). Cytogenetic location: 10q24.1.
Variant type: single nucleotide variant.
Coding change: c.1463G>C on transcript NM_015631.6 (MANE Select); coding-DNA position 1463, G replaced by C.
Protein change: p.Cys488Ser; replaces cysteine 488 with serine.
Molecular consequence: missense variant.
Genome position (GRCh38, 1-based): chr10:95,680,599, C>G on the plus strand (G>C on the coding strand, the complement: TCTN3 is on the minus strand). VCF-style: chr10-95680599-C-G. GRCh37 (hg19) VCF-style: chr10-97440356-C-G.
Other names: c.1019G>C, p.Cys340Ser (NM_001143973.2); short protein forms C340S, C488S.
Identifiers: ClinVar variation 1372201 (VCV001372201.8), dbSNP rs1273735180, ClinGen allele CA377702109.